The following is an entry in ClinVar:

NM_001625.4(AK2):c.89C>A (p.Thr30Asn)

Genes: AK2 (adenylate kinase 2; minus strand), LOC129930068 (ATAC-STARR-seq lymphoblastoid active region 705; plus strand). Cytogenetic location: 1p35.1.
Variant type: single nucleotide variant.
Coding change: c.89C>A on transcript NM_001625.4 (MANE Select); coding-DNA position 89, C replaced by A.
Protein change: p.Thr30Asn; replaces threonine 30 with asparagine.
Molecular consequence: missense variant. On other transcripts: 5 prime UTR variant (2), non-coding transcript variant (1).
Genome position (GRCh38, 1-based): chr1:33,036,740, G>T on the plus strand (C>A on the coding strand, the complement: AK2 is on the minus strand). VCF-style: chr1-33036740-G-T. GRCh37 (hg19) VCF-style: chr1-33502341-G-T.
Other names: c.89C>A, p.Thr30Asn (NM_001199199.3, NM_001319141.3, NM_001319142.3 and 2 more transcripts); c.-174C>A (NM_001319139.3, NM_001319140.2); short protein forms T30N.
Identifiers: ClinVar variation 1470936 (VCV001470936.8), dbSNP rs2124403046, ClinGen allele CA339692889.
Genomic context (GRCh38, chr1:33,036,740, plus strand): 5'-CGCCTTGACCTTGGAGTTCAGCAGGCTCCGCCGCCAAGCCCAGTCCTGCCGCTCACCTGG[G>T]TCCCTTTACCGGCCCCGGGAGGCCCCAGCAGCACGGCCCGGATGCCTTTAGGATACTCGG-3'
Protein context (NP_001616.1, residues 20-40): LLGPPGAGKG[Thr30Asn]QAPRLAENFC

ClinVar aggregate classification (germline): Uncertain significance (1 of 4 stars; one submission).

Conditions:
Reticular dysgenesis. Also called: ALEUKOCYTOSIS; CONGENITAL ALEUKIA; HEMATOPOIETIC HYPOPLASIA, GENERALIZED; RETICULAR DYSGENESIA; SEVERE COMBINED IMMUNODEFICIENCY WITH LEUKOPENIA; DeVaal disease. Identifiers: Orphanet 33355, MedGen C0272167, MONDO:0009973, OMIM 267500.

Submission:

Labcorp Genetics (formerly Invitae), Labcorp
Classification: Uncertain significance for Reticular dysgenesis. Last evaluated: 2022-08-18. Review status: criteria provided, single submitter. Criteria: Invitae Variant Classification Sherloc (09022015). Collection method: clinical testing. Allele origin: germline.
Comment: In summary, the available evidence is currently insufficient to determine the role of this variant in disease. Therefore, it has been classified as a Variant of Uncertain Significance. Algorithms developed to predict the effect of missense changes on protein structure and function are either unavailable or do not agree on the potential impact of this missense change (SIFT: "Deleterious"; PolyPhen-2: "Benign"; Align-GVGD: "Class C55"). ClinVar contains an entry for this variant (Variation ID: 1470936). This variant has not been reported in the literature in individuals affected with AK2-related conditions. This variant is not present in population databases (gnomAD no frequency). This sequence change replaces threonine, which is neutral and polar, with asparagine, which is neutral and polar, at codon 30 of the AK2 protein (p.Thr30Asn).